The following is an entry in ClinVar:

ClinVar aggregate classification (germline): Uncertain significance (1 of 4 stars; one submission).

Conditions:
Spermatogenic failure 18. Identifiers: MedGen C4539783, MONDO:0054615, OMIM 617576.
Ciliary dyskinesia, primary, 37 (CILD37). Also called: CILIARY DYSKINESIA, PRIMARY, 37, WITH OR WITHOUT SITUS INVERSUS. Identifiers: MedGen C4539798, MONDO:0033204, OMIM 617577.

Submission:

Labcorp Genetics (formerly Invitae), Labcorp
Classification: Uncertain significance for Ciliary dyskinesia, primary, 37; Spermatogenic failure 18. Last evaluated: 2023-12-12. Review status: criteria provided, single submitter. Criteria: Invitae Variant Classification Sherloc (09022015). Collection method: clinical testing. Allele origin: germline.
Comment: This sequence change replaces serine, which is neutral and polar, with cysteine, which is neutral and slightly polar, at codon 1774 of the DNAH1 protein (p.Ser1774Cys). This variant is not present in population databases (gnomAD no frequency). This variant has not been reported in the literature in individuals affected with DNAH1-related conditions. Advanced modeling of protein sequence and biophysical properties (such as structural, functional, and spatial information, amino acid conservation, physicochemical variation, residue mobility, and thermodynamic stability) performed at Invitae indicates that this missense variant is not expected to disrupt DNAH1 protein function with a negative predictive value of 80%. In summary, the available evidence is currently insufficient to determine the role of this variant in disease. Therefore, it has been classified as a Variant of Uncertain Significance.

NM_015512.5(DNAH1):c.5320A>T (p.Ser1774Cys)

Gene: DNAH1 (dynein axonemal heavy chain 1; plus strand). Cytogenetic location: 3p21.1.
Variant type: single nucleotide variant.
Coding change: c.5320A>T on transcript NM_015512.5 (MANE Select); coding-DNA position 5320, A replaced by T.
Protein change: p.Ser1774Cys; replaces serine 1774 with cysteine.
Molecular consequence: missense variant.
Genome position (GRCh38, 1-based): chr3:52,364,713, A>T. VCF-style: chr3-52364713-A-T. GRCh37 (hg19) VCF-style: chr3-52398729-A-T.
Other names: short protein forms S1774C.
Identifiers: ClinVar variation 2952075 (VCV002952075.3), dbSNP rs767629218, ClinGen allele CA353143244.